The following is an entry in ClinVar:

ClinVar aggregate classification (germline): Uncertain significance. Review status: criteria provided, multiple submitters, no conflicts (2 of 4 stars). 2 submissions from 2 submitters: Uncertain significance (2). Last evaluated 2025-08-11.

Conditions:
Spastic paraplegia. Identifiers: MedGen C0037772, HP:0001258.

Submissions (2):

Labcorp Genetics (formerly Invitae), Labcorp
Classification: Uncertain significance for Spastic paraplegia. Last evaluated: 2025-08-11. Review status: criteria provided, single submitter. Criteria: Invitae Variant Classification Sherloc (09022015). Collection method: clinical testing. Allele origin: germline.
Comment: This sequence change replaces asparagine, which is neutral and polar, with lysine, which is basic and polar, at codon 471 of the SLC16A2 protein (p.Asn471Lys). This variant is not present in population databases (gnomAD no frequency). This variant has not been reported in the literature in individuals affected with SLC16A2-related conditions. ClinVar contains an entry for this variant (Variation ID: 2430425). Invitae Evidence Modeling of protein sequence and biophysical properties (such as structural, functional, and spatial information, amino acid conservation, physicochemical variation, residue mobility, and thermodynamic stability) indicates that this missense variant is not expected to disrupt SLC16A2 protein function with a negative predictive value of 95%. In summary, the available evidence is currently insufficient to determine the role of this variant in disease. Therefore, it has been classified as a Variant of Uncertain Significance.

GeneDx
Classification: Uncertain significance. Last evaluated: 2022-08-15. Review status: criteria provided, single submitter. Criteria: GeneDx Variant Classification Process June 2021. Collection method: clinical testing. Allele origin: germline. Affected: yes.
Comment: Not observed at significant frequency in large population cohorts (gnomAD); In silico analysis supports that this missense variant has a deleterious effect on protein structure/function; Has not been previously published as pathogenic or benign to our knowledge

NM_006517.5(SLC16A2):c.1413C>G (p.Asn471Lys)

Gene: SLC16A2 (solute carrier family 16 member 2; plus strand). Cytogenetic location: Xq13.2.
Variant type: single nucleotide variant.
Coding change: c.1413C>G on transcript NM_006517.5 (MANE Select); coding-DNA position 1413, C replaced by G.
Protein change: p.Asn471Lys; replaces asparagine 471 with lysine.
Molecular consequence: missense variant.
Genome position (GRCh38, 1-based): chrX:74,531,346, C>G. VCF-style: chrX-74531346-C-G. GRCh37 (hg19) VCF-style: chrX-73751181-C-G.
Other names: short protein forms N471K.
Identifiers: ClinVar variation 2430425 (VCV002430425.2), dbSNP rs2519810017, ClinGen allele CA413658715.